The following is an entry in ClinVar:

NM_014141.6(CNTNAP2):c.845A>G (p.Glu282Gly)

Gene: CNTNAP2 (contactin associated protein 2; plus strand). Cytogenetic location: 7q35.
Variant type: single nucleotide variant.
Coding change: c.845A>G on transcript NM_014141.6 (MANE Select); coding-DNA position 845, A replaced by G.
Protein change: p.Glu282Gly; replaces glutamic acid 282 with glycine.
Molecular consequence: missense variant.
Genome position (GRCh38, 1-based): chr7:147,121,069, A>G. VCF-style: chr7-147121069-A-G. GRCh37 (hg19) VCF-style: chr7-146818161-A-G.
Other names: c.845A>G (NM_014141.5); short protein forms E282G.
Identifiers: ClinVar variation 1058975 (VCV001058975.9), dbSNP rs2129282723, ClinGen allele CA369923904.
Genomic context (GRCh38, chr7:147,121,069, plus strand): 5'-ACACATCAGTGATGACAGGAAGTTTGCTGGATGACCACCACTGGCACTCTGTGGTCATTG[A>G]GCGCCAGGGGCGGAGCATTAACCTCACTCTGGACAGGAGCATGCAGCACTTCCGTACCAA-3'
Protein context (NP_054860.1, residues 272-292): DDHHWHSVVI[Glu282Gly]RQGRSINLTL

ClinVar aggregate classification (germline): Uncertain significance. Review status: criteria provided, multiple submitters, no conflicts (2 of 4 stars). 3 submissions from 3 submitters: Uncertain significance (3). Last evaluated 2023-03-06.

Conditions:
CNTNAP2-related disorder. Also called: CNTNAP2-related condition.
Cortical dysplasia-focal epilepsy syndrome (PTHSL1). Also called: Pitt-Hopkins-like syndrome 1. Identifiers: Orphanet 163681, Orphanet 221150, MedGen C2750246, MONDO:0012400, OMIM 610042.

Allele frequency attached by ClinVar (database versions not stated): gnomAD exomes below 0.00001.
gnomAD v4.1: 3 of 1,614,104 alleles (0.00019%); highest among the groups gnomAD compares: South Asian, 0.0033%; no homozygotes.

Submissions (3):

PreventionGenetics, part of Exact Sciences
Classification: Uncertain significance for CNTNAP2-related condition. Last evaluated: 2023-03-06. Review status: criteria provided, single submitter. Criteria: ACMG Guidelines, 2015. Collection method: clinical testing. Allele origin: germline.
Comment: The CNTNAP2 c.845A>G variant is predicted to result in the amino acid substitution p.Glu282Gly. To our knowledge, this variant has not been reported in the literature or in a large population database, indicating this variant is rare. At this time, the clinical significance of this variant is uncertain due to the absence of conclusive functional and genetic evidence.

Labcorp Genetics (formerly Invitae), Labcorp
Classification: Uncertain significance for Cortical dysplasia-focal epilepsy syndrome. Last evaluated: 2021-08-24. Review status: criteria provided, single submitter. Criteria: Invitae Variant Classification Sherloc (09022015). Collection method: clinical testing. Allele origin: germline.
Comment: This sequence change replaces glutamic acid with glycine at codon 282 of the CNTNAP2 protein (p.Glu282Gly). The glutamic acid residue is moderately conserved and there is a moderate physicochemical difference between glutamic acid and glycine. This variant is not present in population databases (ExAC no frequency). This variant has not been reported in the literature in individuals affected with CNTNAP2-related conditions. Algorithms developed to predict the effect of missense changes on protein structure and function are either unavailable or do not agree on the potential impact of this missense change (SIFT: "Deleterious"; PolyPhen-2: "Possibly Damaging"; Align-GVGD: "Class C0"). In summary, the available evidence is currently insufficient to determine the role of this variant in disease. Therefore, it has been classified as a Variant of Uncertain Significance.

Revvity Omics, Revvity
Classification: Uncertain significance for Cortical dysplasia-focal epilepsy syndrome. Last evaluated: 2019-11-21. Review status: criteria provided, single submitter. Criteria: ACMG Guidelines, 2015. Collection method: clinical testing. Allele origin: germline.